The following is an entry in ClinVar:

ClinVar aggregate classification (germline): Conflicting classifications of pathogenicity. Review status: criteria provided, conflicting classifications (1 of 4 stars). 5 submissions from 5 submitters: Uncertain significance (2); Likely benign (2). 1 of the submissions does not count toward it. Last evaluated 2024-10-03.

Conditions:
CEP120-related disorder. Also called: CEP120-related condition; CEP120-Related Disorders.
Inborn genetic diseases. Identifiers: MedGen C0950123, MeSH D030342.
Short-rib thoracic dysplasia 13 with or without polydactyly (SRTD13). Identifiers: Orphanet 474, MedGen C4225378, MONDO:0014577, OMIM 616300.

Allele frequency attached by ClinVar (database versions not stated): gnomAD 0.00060 and 0.00066; ESP Exome Variant Server 0.00077; ExAC 0.00018; 1000 Genomes Project 0.00020; 1000 Genomes Project 30x 0.00047; TOPMed 0.00089.
gnomAD v4.1: 198 of 1,613,560 alleles (0.012%); highest among the groups gnomAD compares: African/African-American, 0.21%; 1 homozygote.

Submissions (5):

Blueprint Genetics
Classification: Likely benign. Last evaluated: 2024-10-03. Review status: criteria provided, single submitter. Criteria: ACMG Guidelines, 2015. Collection method: clinical testing. Allele origin: germline.

GeneDx
Classification: Uncertain significance. Last evaluated: 2023-04-25. Review status: criteria provided, single submitter. Criteria: GeneDx Variant Classification Process June 2021. Collection method: clinical testing. Allele origin: germline. Affected: yes.
Comment: In silico analysis supports that this missense variant has a deleterious effect on protein structure/function; Has not been previously published as pathogenic or benign to our knowledge

Labcorp Genetics (formerly Invitae), Labcorp
Classification: Uncertain significance for Short-rib thoracic dysplasia 13 with or without polydactyly. Last evaluated: 2022-10-13. Review status: criteria provided, single submitter. Criteria: Invitae Variant Classification Sherloc (09022015). Collection method: clinical testing. Allele origin: germline.
Comment: This sequence change replaces arginine, which is basic and polar, with cysteine, which is neutral and slightly polar, at codon 883 of the CEP120 protein (p.Arg883Cys). This variant is present in population databases (rs140306974, gnomAD 0.2%). This variant has not been reported in the literature in individuals affected with CEP120-related conditions. ClinVar contains an entry for this variant (Variation ID: 542763). Advanced modeling of protein sequence and biophysical properties (such as structural, functional, and spatial information, amino acid conservation, physicochemical variation, residue mobility, and thermodynamic stability) performed at Invitae indicates that this missense variant is expected to disrupt CEP120 protein function. In summary, the available evidence is currently insufficient to determine the role of this variant in disease. Therefore, it has been classified as a Variant of Uncertain Significance.

Ambry Genetics
Classification: Likely benign for Inborn genetic diseases. Last evaluated: 2021-11-12. Review status: criteria provided, single submitter. Criteria: Ambry Variant Classification Scheme 2023. Collection method: clinical testing. Allele origin: germline.

PreventionGenetics, part of Exact Sciences
Classification: Likely benign for CEP120-related condition. Last evaluated: 2024-03-11. Review status: no assertion criteria provided. Collection method: clinical testing. Allele origin: germline. Not counted in ClinVar's aggregate classification.
Comment: This variant is classified as likely benign based on ACMG/AMP sequence variant interpretation guidelines (Richards et al. 2015 PMID: 25741868, with internal and published modifications).

NM_001375405.1(CEP120):c.2647C>T (p.Arg883Cys)

Gene: CEP120 (centrosomal protein 120; minus strand). Cytogenetic location: 5q23.2.
Variant type: single nucleotide variant.
Coding change: c.2647C>T on transcript NM_001375405.1 (MANE Select); coding-DNA position 2647, C replaced by T.
Protein change: p.Arg883Cys; replaces arginine 883 with cysteine.
Molecular consequence: missense variant. On other transcripts: non-coding transcript variant (1).
Genome position (GRCh38, 1-based): chr5:123,350,023, G>A on the plus strand (C>T on the coding strand, the complement: CEP120 is on the minus strand). VCF-style: chr5-123350023-G-A. GRCh37 (hg19) VCF-style: chr5-122685717-G-A.
Other names: c.2569C>T, p.Arg857Cys (NM_001166226.2); c.2512C>T, p.Arg838Cys (NM_001375406.1); c.2647C>T, p.Arg883Cys (NM_001375407.1, NM_153223.4); c.2074C>T, p.Arg692Cys (NM_001375408.1, NM_001375409.1); short protein forms R883C, R857C, R692C, R838C.
Identifiers: ClinVar variation 542763 (VCV000542763.10), dbSNP rs140306974, ClinGen allele CA3386567.